The following is an entry in ClinVar:

ClinVar aggregate classification (germline): Uncertain significance (1 of 4 stars; one submission).

Conditions:
Fanconi anemia complementation group E (FANCE). Also called: FANCE-Related Fanconi Anemia. Identifiers: Orphanet 84, MedGen C3160739, MONDO:0010953, OMIM 600901.

gnomAD v4.1: 1 of 1,613,104 alleles (0.000062%); highest among the groups gnomAD compares: Non-Finnish European, 0.000085%; no homozygotes.

Submission:

Labcorp Genetics (formerly Invitae), Labcorp
Classification: Uncertain significance for Fanconi anemia complementation group E. Last evaluated: 2022-05-12. Review status: criteria provided, single submitter. Criteria: Invitae Variant Classification Sherloc (09022015). Collection method: clinical testing. Allele origin: germline.
Comment: In summary, the available evidence is currently insufficient to determine the role of this variant in disease. Therefore, it has been classified as a Variant of Uncertain Significance. Experimental studies and prediction algorithms are not available or were not evaluated, and the functional significance of this variant is currently unknown. This variant has not been reported in the literature in individuals affected with FANCE-related conditions. This variant is not present in population databases (gnomAD no frequency). This sequence change creates a premature translational stop signal (p.Lys532*) in the FANCE gene. While this is not anticipated to result in nonsense mediated decay, it is expected to disrupt the last 5 amino acid(s) of the FANCE protein.

NM_021922.3(FANCE):c.1594A>T (p.Lys532Ter)

Gene: FANCE (FA complementation group E; plus strand). Cytogenetic location: 6p21.31.
Variant type: single nucleotide variant.
Coding change: c.1594A>T on transcript NM_021922.3 (MANE Select); coding-DNA position 1594, A replaced by T.
Protein change: p.Lys532Ter; replaces lysine 532 with a stop codon.
Molecular consequence: nonsense. On other transcripts: 3 prime UTR variant (1).
Genome position (GRCh38, 1-based): chr6:35,466,328, A>T. VCF-style: chr6-35466328-A-T. GRCh37 (hg19) VCF-style: chr6-35434105-A-T.
Other names: c.*45A>T (NM_001410876.1); short protein forms K532*.
Identifiers: ClinVar variation 2041861 (VCV002041861.4), dbSNP rs749697038, ClinGen allele CA363778800.